The following is an entry in ClinVar:

ClinVar aggregate classification (germline): Uncertain significance (1 of 4 stars; one submission).

Conditions:
Lymphoproliferative syndrome 2 (LPFS2). Also called: Combined immunodeficiency due to CD27 deficiency; CD27 DEFICIENCY. Identifiers: Orphanet 238505, MedGen C3554540, MONDO:0014054, OMIM 615122.

Allele frequency attached by ClinVar (database versions not stated): TOPMed below 0.00001.

Submission:

Labcorp Genetics (formerly Invitae), Labcorp
Classification: Uncertain significance for Lymphoproliferative syndrome 2. Last evaluated: 2022-02-20. Review status: criteria provided, single submitter. Criteria: Invitae Variant Classification Sherloc (09022015). Collection method: clinical testing. Allele origin: germline.
Comment: In summary, the available evidence is currently insufficient to determine the role of this variant in disease. Therefore, it has been classified as a Variant of Uncertain Significance. Algorithms developed to predict the effect of missense changes on protein structure and function (SIFT, PolyPhen-2, Align-GVGD) all suggest that this variant is likely to be disruptive. This variant has not been reported in the literature in individuals affected with CD27-related conditions. This variant is not present in population databases (gnomAD no frequency). This sequence change replaces arginine, which is basic and polar, with cysteine, which is neutral and slightly polar, at codon 191 of the CD27 protein (p.Arg191Cys).

NM_001242.5(CD27):c.571C>T (p.Arg191Cys)

Genes: CD27 (CD27 molecule; plus strand), CD27-AS1 (CD27 antisense RNA 1; minus strand), LOC130007242 (ATAC-STARR-seq lymphoblastoid active region 5859; plus strand). Cytogenetic location: 12p13.31.
Variant type: single nucleotide variant.
Coding change: c.571C>T on transcript NM_001242.5 (MANE Select); coding-DNA position 571, C replaced by T.
Protein change: p.Arg191Cys; replaces arginine 191 with cysteine.
Molecular consequence: missense variant. On other transcripts: non-coding transcript variant (1).
Genome position (GRCh38, 1-based): chr12:6,450,927, C>T. VCF-style: chr12-6450927-C-T. GRCh37 (hg19) VCF-style: chr12-6560093-C-T.
Other names: c.664C>T, p.Arg222Cys (NM_001413263.1); c.544C>T, p.Arg182Cys (NM_001413264.1); c.391C>T, p.Arg131Cys (NM_001413265.1); c.121C>T, p.Arg41Cys (NM_001413266.1, NM_001413267.1, NM_001413268.1); short protein forms R131C, R191C, R41C, R182C, R222C.
Identifiers: ClinVar variation 2038763 (VCV002038763.2), dbSNP rs1378007668, ClinGen allele CA383551108.